The following is an entry in ClinVar:

NM_019066.5(MAGEL2):c.412C>G (p.Pro138Ala)

Gene: MAGEL2 (MAGE family member L2; minus strand). Cytogenetic location: 15q11.2.
Variant type: single nucleotide variant.
Coding change: c.412C>G on transcript NM_019066.5 (MANE Select); coding-DNA position 412, C replaced by G.
Protein change: p.Pro138Ala; replaces proline 138 with alanine.
Molecular consequence: missense variant.
Genome position (GRCh38, 1-based): chr15:23,647,331, G>C on the plus strand (C>G on the coding strand, the complement: MAGEL2 is on the minus strand). VCF-style: chr15-23647331-G-C. GRCh37 (hg19) VCF-style: chr15-23892478-G-C.
Other names: short protein forms P138A.
Identifiers: ClinVar variation 3349833 (VCV003349833.1).

ClinVar aggregate classification (germline): Uncertain significance (0 of 4 stars; one submission).

Conditions:
MAGEL2-related disorder. Also called: MAGEL2-related condition.

Submission:

PreventionGenetics, part of Exact Sciences
Classification: Uncertain significance for MAGEL2-related condition. Last evaluated: 2024-02-01. Review status: no assertion criteria provided. Collection method: clinical testing. Allele origin: germline.
Comment: The MAGEL2 c.412C>G variant is predicted to result in the amino acid substitution p.Pro138Ala. To our knowledge, this variant has not been reported in the literature or in a large population database, indicating this variant is rare. At this time, the clinical significance of this variant is uncertain due to the absence of conclusive functional and genetic evidence.